The following is an entry in ClinVar:

NM_005993.5(TBCD):c.3389G>A (p.Ser1130Asn)

Gene: TBCD (tubulin folding cofactor D). Cytogenetic location: 17q25.3.
Variant type: single nucleotide variant.
Coding change: c.3389G>A on transcript NM_005993.5 (MANE Select); coding-DNA position 3389, G replaced by A.
Protein change: p.Ser1130Asn; replaces serine 1130 with asparagine.
Molecular consequence: missense variant.
Genome position (GRCh38, 1-based): chr17:82,939,386, G>A. VCF-style: chr17-82939386-G-A. GRCh37 (hg19) VCF-style: chr17-80897262-G-A.
Other names: c.3338G>A, p.Ser1113Asn (NM_001411101.1); c.3308G>A, p.Ser1103Asn (NM_001411102.1); short protein forms S1103N, S1113N, S1130N.
Identifiers: ClinVar variation 2169987 (VCV002169987.2), dbSNP rs765341711, ClinGen allele CA8863619.
Genomic context (GRCh38, chr17:82,939,386, plus strand): 5'-TGGCGCTTCCCTCCGGCAAATGCACTGCATCCCTGTCCCAGATCCGGAAGACCACGGCCA[G>A]CCAGGTGTACGAGACATTGCTCACCTACAGTGACGTCGTGGGCGCGGATGTGCTGGACGA-3'
Protein context (NP_005984.3, residues 1120-1140): RFPLIRKTTA[Ser1130Asn]QVYETLLTYS

ClinVar aggregate classification (germline): Uncertain significance. Review status: criteria provided, multiple submitters, no conflicts (2 of 4 stars). 2 submissions from 2 submitters: Uncertain significance (2). Last evaluated 2024-11-21.

Allele frequency attached by ClinVar (database versions not stated): gnomAD 0.00001; TOPMed 0.00001; ExAC 0.00003.
gnomAD v4.1: 16 of 1,612,596 alleles (0.00099%); highest among the groups gnomAD compares: East Asian, 0.0022%; no homozygotes.

Submissions (2):

Blueprint Genetics
Classification: Uncertain significance. Last evaluated: 2024-11-21. Review status: criteria provided, single submitter. Criteria: ACMG Guidelines, 2015. Collection method: clinical testing. Allele origin: germline.

Labcorp Genetics (formerly Invitae), Labcorp
Classification: Uncertain significance. Last evaluated: 2022-07-28. Review status: criteria provided, single submitter. Criteria: Invitae Variant Classification Sherloc (09022015). Collection method: clinical testing. Allele origin: germline.
Comment: This sequence change replaces serine, which is neutral and polar, with asparagine, which is neutral and polar, at codon 1130 of the TBCD protein (p.Ser1130Asn). This variant is present in population databases (rs765341711, gnomAD 0.003%). This variant has not been reported in the literature in individuals affected with TBCD-related conditions. Algorithms developed to predict the effect of missense changes on protein structure and function (SIFT, PolyPhen-2, Align-GVGD) all suggest that this variant is likely to be tolerated. In summary, the available evidence is currently insufficient to determine the role of this variant in disease. Therefore, it has been classified as a Variant of Uncertain Significance.